The following is an entry in ClinVar:

ClinVar aggregate classification (germline): Uncertain significance (1 of 4 stars; one submission).

Conditions:
Hereditary cancer-predisposing syndrome. Also called: Neoplastic Syndromes, Hereditary; Tumor predisposition; Hereditary neoplastic syndrome; Hereditary Cancer Syndrome. Identifiers: Orphanet 140162, MedGen C0027672, MeSH D009386, MONDO:0015356.

Submission:

Ambry Genetics
Classification: Uncertain significance for Hereditary cancer-predisposing syndrome. Last evaluated: 2026-06-17. Review status: criteria provided, single submitter. Criteria: Ambry Variant Classification Scheme 2023. Collection method: clinical testing. Allele origin: germline.
Comment: The p.H176Y variant (also known as c.526C>T), located in coding exon 2 of the BLM gene, results from a C to T substitution at nucleotide position 526. The histidine at codon 176 is replaced by tyrosine, an amino acid with similar properties. This amino acid position is conserved. In addition, this alteration is predicted to be tolerated by in silico analysis. Based on the available evidence, the clinical significance of this variant remains unclear.

NM_000057.4(BLM):c.526C>T (p.His176Tyr)

Gene: BLM (BLM RecQ like helicase; plus strand). Cytogenetic location: 15q26.1.
Variant type: single nucleotide variant.
Coding change: c.526C>T on transcript NM_000057.4 (MANE Select); coding-DNA position 526, C replaced by T.
Protein change: p.His176Tyr; replaces histidine 176 with tyrosine.
Molecular consequence: missense variant. On other transcripts: 5 prime UTR variant (1).
Genome position (GRCh38, 1-based): chr15:90,749,794, C>T. VCF-style: chr15-90749794-C-T. GRCh37 (hg19) VCF-style: chr15-91293024-C-T.
Other names: c.526C>T, p.His176Tyr (NM_001287246.2, NM_001287247.2); c.-766C>T (NM_001287248.2); short protein forms H176Y.
Identifiers: ClinVar variation 5032865 (VCV005032865.1).